The following is an entry in ClinVar:

NM_005359.6(SMAD4):c.936_939del (p.Pro313fs)

Gene: SMAD4 (SMAD family member 4; plus strand). Cytogenetic location: 18q21.2.
Variant type: Deletion.
Coding change: c.936_939del on transcript NM_005359.6 (MANE Select); coding-DNA positions 936 to 939, 4 bases deleted (TCCC; older notation c.936_939delTCCC).
Protein change: p.Pro313fs; shifts the reading frame from proline 313.
Molecular consequence: frameshift variant. On other transcripts: non-coding transcript variant (2).
Genome position (GRCh38, 1-based): chr18:51,059,897-51,059,900, TCCC deleted; deleting any 4 consecutive bases within chr18:51,059,895-51,059,900 gives the same sequence; the c. name uses the placement nearest the transcript's 3' end. VCF-style (leftmost placement, unchanged base first): chr18-51059894-GCCTC-G. GRCh37 (hg19) VCF-style: chr18-48586264-GCCTC-G.
Other names: c.936_939del, p.Pro313fs (NM_001407041.1, NM_001407042.1, NM_001407043.1); short protein forms P313fs.
Identifiers: ClinVar variation 2862403 (VCV002862403.3), dbSNP rs2511378745, ClinGen allele CA2739268753.

ClinVar aggregate classification (germline): Pathogenic (1 of 4 stars; one submission).

Conditions:
Juvenile polyposis syndrome (JPS). Identifiers: Orphanet 2929, MedGen C0345893, MONDO:0017380, OMIM 174900.

Submission:

Labcorp Genetics (formerly Invitae), Labcorp
Classification: Pathogenic for Juvenile polyposis syndrome. Last evaluated: 2023-05-07. Review status: criteria provided, single submitter. Criteria: Invitae Variant Classification Sherloc (09022015). Collection method: clinical testing. Allele origin: germline.
Comment: This variant has not been reported in the literature in individuals affected with SMAD4-related conditions. This sequence change creates a premature translational stop signal (p.Pro313Phefs*22) in the SMAD4 gene. It is expected to result in an absent or disrupted protein product. Loss-of-function variants in SMAD4 are known to be pathogenic (PMID: 16152648, 16436638, 22810475). This variant is not present in population databases (gnomAD no frequency). For these reasons, this variant has been classified as Pathogenic.

Literature cited by the submitters: PubMed 16152648; PubMed 16436638; PubMed 22810475.